The following is an entry in ClinVar:

ClinVar aggregate classification (germline): Uncertain significance. Review status: criteria provided, multiple submitters, no conflicts (2 of 4 stars). 2 submissions from 2 submitters: Uncertain significance (2). Last evaluated 2024-11-25.

Conditions:
Inborn genetic diseases. Identifiers: MedGen C0950123, MeSH D030342.
Fetal akinesia deformation sequence 1 (FADS1). Also called: Pena-Shokeir syndrome type I; Fetal akinesia sequence. Identifiers: Orphanet 994, MedGen C1276035, MONDO:0100101, OMIM 208150, HP:0001989.
Congenital myasthenic syndrome 10. Also called: Myasthenia, limb-girdle, familial. Identifiers: Orphanet 590, MedGen C1850792, MONDO:0009690, OMIM 254300.

Allele frequency attached by ClinVar (database versions not stated): TOPMed 0.00010; gnomAD 0.00011 and 0.00013; ESP Exome Variant Server 0.00031.
gnomAD v4.1: 158 of 1,607,808 alleles (0.0098%); highest among the groups gnomAD compares: Non-Finnish European, 0.012%; no homozygotes.

Submissions (2):

Ambry Genetics
Classification: Uncertain significance for Inborn genetic diseases. Last evaluated: 2024-11-25. Review status: criteria provided, single submitter. Criteria: Ambry Variant Classification Scheme 2023. Collection method: clinical testing. Allele origin: germline.

Labcorp Genetics (formerly Invitae), Labcorp
Classification: Uncertain significance for Congenital myasthenic syndrome 10; Fetal akinesia deformation sequence 1. Last evaluated: 2022-07-21. Review status: criteria provided, single submitter. Criteria: Invitae Variant Classification Sherloc (09022015). Collection method: clinical testing. Allele origin: germline.
Comment: This sequence change replaces isoleucine, which is neutral and non-polar, with serine, which is neutral and polar, at codon 199 of the DOK7 protein (p.Ile199Ser). This variant is present in population databases (rs148650015, gnomAD 0.02%). This variant has not been reported in the literature in individuals affected with DOK7-related conditions. ClinVar contains an entry for this variant (Variation ID: 837930). Algorithms developed to predict the effect of missense changes on protein structure and function are either unavailable or do not agree on the potential impact of this missense change (SIFT: "Deleterious"; PolyPhen-2: "Probably Damaging"; Align-GVGD: "Class C0"). Algorithms developed to predict the effect of sequence changes on RNA splicing suggest that this variant may create or strengthen a splice site. In summary, the available evidence is currently insufficient to determine the role of this variant in disease. Therefore, it has been classified as a Variant of Uncertain Significance.

NM_173660.5(DOK7):c.596T>G (p.Ile199Ser)

Gene: DOK7 (docking protein 7; plus strand). Cytogenetic location: 4p16.3.
Variant type: single nucleotide variant.
Coding change: c.596T>G on transcript NM_173660.5 (MANE Select); coding-DNA position 596, T replaced by G.
Protein change: p.Ile199Ser; replaces isoleucine 199 with serine.
Molecular consequence: missense variant. On other transcripts: 5 prime UTR variant (1).
Genome position (GRCh38, 1-based): chr4:3,485,602, T>G. VCF-style: chr4-3485602-T-G. GRCh37 (hg19) VCF-style: chr4-3487329-T-G.
Other names: c.585T>G, p.His195Gln (NM_001164673.2); c.-335T>G (NM_001256896.2); c.596T>G, p.Ile199Ser (NM_001301071.2); c.164T>G, p.Ile55Ser (NM_001363811.2); short protein forms H195Q, I199S, I55S.
Identifiers: ClinVar variation 837930 (VCV000837930.9), dbSNP rs148650015, ClinGen allele CA2829076.